The following is an entry in ClinVar:

ClinVar aggregate classification (germline): Uncertain significance (1 of 4 stars; one submission).

Allele frequency attached by ClinVar (database versions not stated): gnomAD exomes below 0.00001.
gnomAD v4.1: 2 of 1,562,888 alleles (0.00013%); highest among the groups gnomAD compares: Non-Finnish European, 0.00017%; no homozygotes.

Submission:

GeneDx
Classification: Uncertain significance. Last evaluated: 2023-03-10. Review status: criteria provided, single submitter. Criteria: GeneDx Variant Classification Process June 2021. Collection method: clinical testing. Allele origin: germline. Affected: yes.
Comment: Not observed at significant frequency in large population cohorts (gnomAD); In silico analysis supports that this missense variant has a deleterious effect on protein structure/function; Has not been previously published as pathogenic or benign to our knowledge

NM_013275.6(ANKRD11):c.7855G>A (p.Val2619Met)

Gene: ANKRD11 (ankyrin repeat domain containing 11; minus strand). Cytogenetic location: 16q24.3.
Variant type: single nucleotide variant.
Coding change: c.7855G>A on transcript NM_013275.6 (MANE Select); coding-DNA position 7855, G replaced by A.
Protein change: p.Val2619Met; replaces valine 2619 with methionine.
Molecular consequence: missense variant.
Genome position (GRCh38, 1-based): chr16:89,268,615, C>T on the plus strand (G>A on the coding strand, the complement: ANKRD11 is on the minus strand). VCF-style: chr16-89268615-C-T. GRCh37 (hg19) VCF-style: chr16-89335023-C-T.
Other names: c.7855G>A, p.Val2619Met (NM_001256182.2, NM_001256183.2); short protein forms V2619M.
Identifiers: ClinVar variation 2579340 (VCV002579340.1), dbSNP rs2032837592, ClinGen allele CA397145234.
Genomic context (GRCh38, chr16:89,268,615, plus strand): 5'-GGGACTTGTGCCCGGCGGGGTCCAGTTCCTGCACCTTCAGCTGCCACTCCATCCTCTGCA[C>T]GGCGTTCAGGGCCGCGGCCTCGTGCTGCTGCCGCATGAGGAGGCAAGTCTGCGGGACACA-3'
Protein context (NP_037407.4, residues 2609-2629): QQHEAAALNA[Val2619Met]QRMEWQLKVQ